The following is an entry in ClinVar:

NM_002439.5(MSH3):c.1066G>A (p.Val356Ile)

Gene: MSH3 (mutS homolog 3; plus strand). Cytogenetic location: 5q14.1.
Variant type: single nucleotide variant.
Coding change: c.1066G>A on transcript NM_002439.5 (MANE Select); coding-DNA position 1066, G replaced by A.
Protein change: p.Val356Ile; replaces valine 356 with isoleucine.
Molecular consequence: missense variant.
Genome position (GRCh38, 1-based): chr5:80,675,021, G>A. VCF-style: chr5-80675021-G-A. GRCh37 (hg19) VCF-style: chr5-79970840-G-A.
Other names: short protein forms V356I.
Identifiers: ClinVar variation 1363913 (VCV001363913.8), dbSNP rs2112815970, ClinGen allele CA360267958.

ClinVar aggregate classification (germline): Uncertain significance (1 of 4 stars; one submission).

Submission:

Labcorp Genetics (formerly Invitae), Labcorp
Classification: Uncertain significance. Last evaluated: 2022-12-16. Review status: criteria provided, single submitter. Criteria: Invitae Variant Classification Sherloc (09022015). Collection method: clinical testing. Allele origin: germline.
Comment: This sequence change replaces valine, which is neutral and non-polar, with isoleucine, which is neutral and non-polar, at codon 356 of the MSH3 protein (p.Val356Ile). This variant is not present in population databases (gnomAD no frequency). This variant has not been reported in the literature in individuals affected with MSH3-related conditions. ClinVar contains an entry for this variant (Variation ID: 1363913). Algorithms developed to predict the effect of missense changes on protein structure and function output the following: SIFT: "Tolerated"; PolyPhen-2: "Benign"; Align-GVGD: "Class C0". The isoleucine amino acid residue is found in multiple mammalian species, which suggests that this missense change does not adversely affect protein function. In summary, the available evidence is currently insufficient to determine the role of this variant in disease. Therefore, it has been classified as a Variant of Uncertain Significance.